The following is an entry in ClinVar:

ClinVar aggregate classification (germline): Uncertain significance. Review status: criteria provided, multiple submitters, no conflicts (2 of 4 stars). 3 submissions from 3 submitters: Uncertain significance (3). Last evaluated 2026-01-08.

Conditions:
Hereditary cancer-predisposing syndrome. Also called: Hereditary neoplastic syndrome; Tumor predisposition; Neoplastic Syndromes, Hereditary; Hereditary Cancer Syndrome. Identifiers: Orphanet 140162, MedGen C0027672, MeSH D009386, MONDO:0015356.
Tuberous sclerosis syndrome (TSC). Also called: Tuberous sclerosis; Tuberous Sclerosis Complex. Identifiers: Orphanet 805, MedGen C0041341, MONDO:0001734.
Tuberous sclerosis 2 (TSC2). Identifiers: Orphanet 805, MedGen C1860707, MONDO:0013199, OMIM 613254.

Allele frequency attached by ClinVar (database versions not stated): TOPMed below 0.00001.

Submissions (3):

Ambry Genetics
Classification: Uncertain significance for Hereditary cancer-predisposing syndrome. Last evaluated: 2026-01-08. Review status: criteria provided, single submitter. Criteria: Ambry Variant Classification Scheme 2023. Collection method: clinical testing. Allele origin: germline.
Comment: The p.A580V variant (also known as c.1739C>T), located in coding exon 16 of the TSC2 gene, results from a C to T substitution at nucleotide position 1739. The alanine at codon 580 is replaced by valine, an amino acid with similar properties. This amino acid position is well conserved in available vertebrate species. In addition, this alteration is predicted to be deleterious by in silico analysis. Based on the available evidence, the clinical significance of this variant remains unclear.

Labcorp Genetics (formerly Invitae), Labcorp
Classification: Uncertain significance for Tuberous sclerosis 2. Last evaluated: 2025-10-13. Review status: criteria provided, single submitter. Criteria: Invitae Variant Classification Sherloc (09022015). Collection method: clinical testing. Allele origin: germline.
Comment: This sequence change replaces alanine, which is neutral and non-polar, with valine, which is neutral and non-polar, at codon 580 of the TSC2 protein (p.Ala580Val). This variant is not present in population databases (gnomAD no frequency). This variant has not been reported in the literature in individuals affected with TSC2-related conditions. ClinVar contains an entry for this variant (Variation ID: 1365354). Invitae Evidence Modeling of protein sequence and biophysical properties (such as structural, functional, and spatial information, amino acid conservation, physicochemical variation, residue mobility, and thermodynamic stability) indicates that this missense variant is not expected to disrupt TSC2 protein function with a negative predictive value of 95%. In summary, the available evidence is currently insufficient to determine the role of this variant in disease. Therefore, it has been classified as a Variant of Uncertain Significance.

All of Us Research Program, National Institutes of Health
Classification: Uncertain significance for Tuberous sclerosis syndrome. Last evaluated: 2023-05-30. Review status: criteria provided, single submitter. Criteria: ACMG Guidelines, 2015. Collection method: clinical testing. Allele origin: germline. Inheritance: Autosomal dominant inheritance. Observed: 1 variant allele, 1 heterozygote.
Comment: This missense variant replaces alanine with valine at codon 580 of the TSC2 protein. Computational prediction suggests that this variant may have deleterious impact on protein structure and function (internally defined REVEL score threshold >= 0.7, PMID: 27666373). To our knowledge, functional studies have not been reported for this variant. This variant has not been reported in individuals affected with tuberous sclerosis complex in the literature. This variant has not been identified in the general population by the Genome Aggregation Database (gnomAD). The available evidence is insufficient to determine the role of this variant in disease conclusively. Therefore, this variant is classified as a Variant of Uncertain Significance.

This study involves interpretation of variants in research participants for the purpose of population health screening. Participant phenotype was not available at the time of variant classification. Additional details can be found in publication PMID: 35346344, PMCID: PMC8962531

NM_000548.5(TSC2):c.1739C>T (p.Ala580Val)

Gene: TSC2 (TSC complex subunit 2; plus strand). Cytogenetic location: 16p13.3.
Variant type: single nucleotide variant.
Coding change: c.1739C>T on transcript NM_000548.5 (MANE Select); coding-DNA position 1739, C replaced by T.
Protein change: p.Ala580Val; replaces alanine 580 with valine.
Molecular consequence: missense variant.
Genome position (GRCh38, 1-based): chr16:2,070,478, C>T. VCF-style: chr16-2070478-C-T. GRCh37 (hg19) VCF-style: chr16-2120479-C-T.
Other names: c.1628C>T, p.Ala543Val (NM_001318827.2); c.1592C>T, p.Ala531Val (NM_001318829.2); c.1139C>T, p.Ala380Val (NM_001318831.2); c.1772C>T, p.Ala591Val (NM_001318832.2); c.1739C>T, p.Ala580Val (NM_001363528.2, NM_001370404.1, NM_001370405.1 and 3 more transcripts); c.1739C>T (NM_000548.3); short protein forms A380V, A580V, A531V, A591V, A543V.
Identifiers: ClinVar variation 1365354 (VCV001365354.10), dbSNP rs765043471, ClinGen allele CA394272740.